The following is an entry in ClinVar:

ClinVar aggregate classification (germline): Benign/Likely benign. Review status: criteria provided, multiple submitters, no conflicts (2 of 4 stars). 7 submissions from 7 submitters: Benign (2); Likely benign (2). 3 of the submissions do not count toward it. Last evaluated 2026-01-06.

Conditions:
NYX-related disorder. Also called: NYX-related condition.
Congenital stationary night blindness 1A (CSNB1A). Also called: NYX-Related X-Linked Congenital Stationary Night Blindness; CSNB, COMPLETE, X-LINKED; HEMERALOPIA-MYOPIA; Night blindness, congenital stationary (complete), 1A, X-linked; MYOPIA-NIGHT BLINDNESS; NIGHT BLINDNESS, CONGENITAL STATIONARY, WITH MYOPIA. Identifiers: Orphanet 215, MedGen C3495587, MONDO:0010690, OMIM 310500.

Allele frequency attached by ClinVar (database versions not stated): ESP Exome Variant Server 0.00019; gnomAD exomes 0.00037 and 0.00243; gnomAD 0.00089 and 0.00109; TOPMed 0.00144; ExAC 0.00326; 1000 Genomes Project 30x 0.00604; 1000 Genomes Project 0.00609.
gnomAD v4.1: 547 of 1,197,675 alleles (0.046%); highest among the groups gnomAD compares: East Asian, 1.5%; 6 homozygotes.

Submissions (7):

Labcorp Genetics (formerly Invitae), Labcorp
Classification: Benign. Last evaluated: 2026-01-06. Review status: criteria provided, single submitter. Criteria: Invitae Variant Classification Sherloc (09022015). Collection method: clinical testing. Allele origin: germline.

Blueprint Genetics
Classification: Benign. Last evaluated: 2024-10-23. Review status: criteria provided, single submitter. Criteria: ACMG Guidelines, 2015. Collection method: clinical testing. Allele origin: germline.

Illumina Laboratory Services, Illumina
Classification: Likely benign for Congenital stationary night blindness 1A. Last evaluated: 2017-04-27. Review status: criteria provided, single submitter. Criteria: ICSL Variant Classification Criteria 13 December 2019. Collection method: clinical testing. Allele origin: germline.
Comment: This variant was observed as part of a predisposition screen in an ostensibly healthy population. A literature search was performed for the gene, cDNA change, and amino acid change (where applicable). Publications were found based on this search. The evidence from the literature, in combination with allele frequency data from public databases where available, was sufficient to determine this variant is unlikely to cause disease. Therefore, this variant is classified as likely benign.

Breakthrough Genomics
Classification: Likely benign. Review status: criteria provided, single submitter. Criteria: ACMG Guidelines, 2015. Collection method: not provided. Allele origin: germline. Inheritance: X-linked inheritance. Affected: yes.

PreventionGenetics, part of Exact Sciences
Classification: Benign for NYX-related condition. Last evaluated: 2019-07-03. Review status: no assertion criteria provided. Collection method: clinical testing. Allele origin: germline. Not counted in ClinVar's aggregate classification.
Comment: This variant is classified as benign based on ACMG/AMP sequence variant interpretation guidelines (Richards et al. 2015 PMID: 25741868, with internal and published modifications).

Clinical Genetics DNA and cytogenetics Diagnostics Lab, Erasmus MC, Erasmus Medical Center
Classification: Benign. Review status: no assertion criteria provided. Collection method: clinical testing. Allele origin: germline. Affected: yes. Study: VKGL Data-share Consensus. Not counted in ClinVar's aggregate classification.

Clinical Genetics, Academic Medical Center
Classification: Benign. Review status: no assertion criteria provided. Collection method: clinical testing. Allele origin: germline. Affected: yes. Study: VKGL Data-share Consensus. Not counted in ClinVar's aggregate classification.

Literature cited by the submitters: PubMed 17392683 (cited by Illumina Laboratory Services, Illumina); PubMed 23406521 (cited by Illumina Laboratory Services, Illumina).

NM_001378477.3(NYX):c.1183G>A (p.Gly395Ser)

Gene: NYX (nyctalopin; plus strand). Cytogenetic location: Xp11.4.
Variant type: single nucleotide variant.
Coding change: c.1183G>A on transcript NM_001378477.3 (MANE Select); coding-DNA position 1183, G replaced by A.
Protein change: p.Gly395Ser; replaces glycine 395 with serine.
Molecular consequence: missense variant.
Genome position (GRCh38, 1-based): chrX:41,474,651, G>A. VCF-style: chrX-41474651-G-A. GRCh37 (hg19) VCF-style: chrX-41333904-G-A.
Other names: c.1183G>A, p.Gly395Ser (NM_022567.3); short protein forms G400S, G395S.
Identifiers: ClinVar variation 368270 (VCV000368270.20), dbSNP rs189924262, ClinGen allele CA10389918.